The following is an entry in ClinVar:

ClinVar aggregate classification (germline): Uncertain significance (1 of 4 stars; one submission).

Conditions:
Werner syndrome (WRN). Identifiers: Orphanet 902, MedGen C0043119, MONDO:0010196, OMIM 277700.

Allele frequency attached by ClinVar (database versions not stated): gnomAD exomes below 0.00001; ExAC 0.00001.

Submission:

Labcorp Genetics (formerly Invitae), Labcorp
Classification: Uncertain significance for Werner syndrome. Last evaluated: 2025-02-03. Review status: criteria provided, single submitter. Criteria: Invitae Variant Classification Sherloc (09022015). Collection method: clinical testing. Allele origin: germline.
Comment: This sequence change replaces alanine, which is neutral and non-polar, with threonine, which is neutral and polar, at codon 823 of the WRN protein (p.Ala823Thr). This variant is present in population databases (rs774855087, gnomAD 0.006%). This variant has not been reported in the literature in individuals affected with WRN-related conditions. ClinVar contains an entry for this variant (Variation ID: 1505842). An algorithm developed to predict the effect of missense changes on protein structure and function (PolyPhen-2) suggests that this variant is likely to be disruptive. In summary, the available evidence is currently insufficient to determine the role of this variant in disease. Therefore, it has been classified as a Variant of Uncertain Significance.

NM_000553.6(WRN):c.2467G>A (p.Ala823Thr)

Gene: WRN (WRN RecQ like helicase; plus strand). Cytogenetic location: 8p12.
Variant type: single nucleotide variant.
Coding change: c.2467G>A on transcript NM_000553.6 (MANE Select); coding-DNA position 2467, G replaced by A.
Protein change: p.Ala823Thr; replaces alanine 823 with threonine.
Molecular consequence: missense variant.
Genome position (GRCh38, 1-based): chr8:31,120,261, G>A. VCF-style: chr8-31120261-G-A. GRCh37 (hg19) VCF-style: chr8-30977777-G-A.
Other names: short protein forms A823T.
Identifiers: ClinVar variation 1505842 (VCV001505842.6), dbSNP rs774855087, ClinGen allele CA4704763.